The following is an entry in ClinVar:

ClinVar aggregate classification (germline): Uncertain significance. Review status: criteria provided, multiple submitters, no conflicts (2 of 4 stars). 2 submissions from 2 submitters: Uncertain significance (2). Last evaluated 2023-07-03.

Conditions:
Myofibrillar myopathy 3 (MFM3). Also called: Muscular dystrophy, proximal, type 1A; Autosomal dominant spheroid body myopathy. Identifiers: Orphanet 266, Orphanet 268129, MedGen C3714934, MONDO:0012215, OMIM 609200.

Allele frequency attached by ClinVar (database versions not stated): gnomAD 0.00001; gnomAD exomes 0.00001; TOPMed 0.00001.
gnomAD v4.1: 5 of 1,614,036 alleles (0.00031%); highest among the groups gnomAD compares: Non-Finnish European, 0.00042%; no homozygotes.

Submissions (2):

Labcorp Genetics (formerly Invitae), Labcorp
Classification: Uncertain significance for Myofibrillar myopathy 3. Last evaluated: 2023-07-03. Review status: criteria provided, single submitter. Criteria: Invitae Variant Classification Sherloc (09022015). Collection method: clinical testing. Allele origin: germline.
Comment: This variant is present in population databases (no rsID available, gnomAD 0.007%). In summary, the available evidence is currently insufficient to determine the role of this variant in disease. Therefore, it has been classified as a Variant of Uncertain Significance. An algorithm developed to predict the effect of missense changes on protein structure and function (PolyPhen-2) suggests that this variant is likely to be disruptive. This variant has not been reported in the literature in individuals affected with MYOT-related conditions. This sequence change replaces isoleucine, which is neutral and non-polar, with threonine, which is neutral and polar, at codon 11 of the MYOT protein (p.Ile11Thr).

Blueprint Genetics
Classification: Uncertain significance. Last evaluated: 2020-12-03. Review status: criteria provided, single submitter. Criteria: ACMG Guidelines, 2015. Collection method: clinical testing. Allele origin: germline.

NM_006790.3(MYOT):c.32T>C (p.Ile11Thr)

Genes: MYOT (myotilin; plus strand), PKD2L2-DT (PKD2L2 divergent transcript; minus strand). Cytogenetic location: 5q31.2.
Variant type: single nucleotide variant.
Coding change: c.32T>C on transcript NM_006790.3 (MANE Select); coding-DNA position 32, T replaced by C.
Protein change: p.Ile11Thr; replaces isoleucine 11 with threonine.
Molecular consequence: missense variant. On other transcripts: intron variant (2).
Genome position (GRCh38, 1-based): chr5:137,870,683, T>C. VCF-style: chr5-137870683-T-C. GRCh37 (hg19) VCF-style: chr5-137206372-T-C.
Other names: c.-121+158T>C (NM_001300911.2); c.-197+158T>C (NM_001135940.2); short protein forms I11T.
Identifiers: ClinVar variation 2734790 (VCV002734790.4), dbSNP rs1458337385, ClinGen allele CA361477805.
Genomic context (GRCh38, chr5:137,870,683, plus strand): 5'-TGCCTTCATCTTCCATATACCAACTAAGCATGTTTAACTACGAACGTCCAAAACACTTCA[T>C]CCAGTCCCAAAACCCATGTGGCTCCAGATTGCAGCCTCCTGGACCAGAAACCTCCAGCTT-3'
Protein context (NP_006781.1, residues 1-21): MFNYERPKHF[Ile11Thr]QSQNPCGSRL